The following is an entry in ClinVar:

NM_001277115.2(DNAH11):c.2275-1del

Gene: DNAH11 (dynein axonemal heavy chain 11; plus strand). Cytogenetic location: 7p15.3.
Variant type: Deletion.
Coding change: c.2275-1del on transcript NM_001277115.2 (MANE Select); the canonical splice acceptor site of the intron before coding-DNA position 2275, one base deleted (G; older notation c.2275-1delG).
Molecular consequence: splice acceptor variant.
Genome position (GRCh38, 1-based): chr7:21,591,184, G deleted. VCF-style (leftmost placement, unchanged base first): chr7-21591183-AG-A. GRCh37 (hg19) VCF-style: chr7-21630801-AG-A.
Identifiers: ClinVar variation 3725203 (VCV003725203.2).

ClinVar aggregate classification (germline): Likely pathogenic (1 of 4 stars; one submission).

Conditions:
Primary ciliary dyskinesia. Also called: Ciliary dyskinesia. Identifiers: Orphanet 244, MedGen C0008780, MONDO:0016575, HP:0012265.

Submission:

Labcorp Genetics (formerly Invitae), Labcorp
Classification: Likely pathogenic for Primary ciliary dyskinesia. Last evaluated: 2024-11-14. Review status: criteria provided, single submitter. Criteria: Invitae Variant Classification Sherloc (09022015). Collection method: clinical testing. Allele origin: germline.
Comment: This sequence change affects a splice site in intron 13 of the DNAH11 gene. It is expected to disrupt RNA splicing. Variants that disrupt the donor or acceptor splice site typically lead to a loss of protein function (PMID: 16199547), and loss-of-function variants in DNAH11 are known to be pathogenic (PMID: 18022865, 20513915, 22184204). This variant is not present in population databases (gnomAD no frequency). This variant has not been reported in the literature in individuals affected with DNAH11-related conditions. Algorithms developed to predict the effect of sequence changes on RNA splicing suggest that this variant may disrupt the consensus splice site. In summary, the currently available evidence indicates that the variant is pathogenic, but additional data are needed to prove that conclusively. Therefore, this variant has been classified as Likely Pathogenic.

Literature cited by the submitters: PubMed 16199547; PubMed 18022865; PubMed 20513915; PubMed 22184204.